The following is an entry in ClinVar:

NM_004727.3(SLC24A1):c.1463T>G (p.Leu488Arg)

Gene: SLC24A1 (solute carrier family 24 member 1; plus strand). Cytogenetic location: 15q22.31.
Variant type: single nucleotide variant.
Coding change: c.1463T>G on transcript NM_004727.3 (MANE Select); coding-DNA position 1463, T replaced by G.
Protein change: p.Leu488Arg; replaces leucine 488 with arginine.
Molecular consequence: missense variant.
Genome position (GRCh38, 1-based): chr15:65,625,543, T>G. VCF-style: chr15-65625543-T-G. GRCh37 (hg19) VCF-style: chr15-65917881-T-G.
Other names: c.1463T>G (NM_004727.2); c.1463T>G, p.Leu488Arg (NM_001301031.1, NM_001301032.1, NM_001301033.2); short protein forms L488R.
Identifiers: ClinVar variation 1441061 (VCV001441061.7), dbSNP rs1193462084, ClinGen allele CA392917545.
Genomic context (GRCh38, chr15:65,625,543, plus strand): 5'-CCTTGGCCATTGTTTGCGACGAGTACTTCGTTCCAGCCCTGGGTGTCATCACAGACAAGC[T>G]GCAGATCTCCGAGGATGTGGCAGGCGCCACATTCATGGCTGCTGGAGGCTCTGCTCCTGA-3'
Protein context (NP_004718.1, residues 478-498): VPALGVITDK[Leu488Arg]QISEDVAGAT

ClinVar aggregate classification (germline): Uncertain significance. Review status: criteria provided, multiple submitters, no conflicts (2 of 4 stars). 3 submissions from 3 submitters: Uncertain significance (3). Last evaluated 2025-10-23.

Conditions:
SLC24A1-related disorder. Also called: SLC24A1-related condition.

Allele frequency attached by ClinVar (database versions not stated): TOPMed 0.00001; gnomAD 0.00002.
gnomAD v4.1: 3 of 1,613,944 alleles (0.00019%); highest among the groups gnomAD compares: African/African-American, 0.0013%; no homozygotes.

Submissions (3):

PreventionGenetics, part of Exact Sciences
Classification: Uncertain significance for SLC24A1-related condition. Last evaluated: 2025-10-23. Review status: criteria provided, single submitter. Criteria: ACMG Guidelines, 2015. Collection method: clinical testing. Allele origin: germline.
Comment: The SLC24A1 c.1463T>G variant is predicted to result in the amino acid substitution p.Leu488Arg. To our knowledge, this variant has not been reported in the literature. This variant is reported in 0.011% of alleles in individuals of African descent in gnomAD. At this time, the clinical significance of this variant is uncertain due to the absence of conclusive functional and genetic evidence.

Labcorp Genetics (formerly Invitae), Labcorp
Classification: Uncertain significance. Last evaluated: 2022-07-05. Review status: criteria provided, single submitter. Criteria: Invitae Variant Classification Sherloc (09022015). Collection method: clinical testing. Allele origin: germline.
Comment: This sequence change replaces leucine, which is neutral and non-polar, with arginine, which is basic and polar, at codon 488 of the SLC24A1 protein (p.Leu488Arg). This variant is present in population databases (no rsID available, gnomAD 0.007%). This variant has not been reported in the literature in individuals affected with SLC24A1-related conditions. ClinVar contains an entry for this variant (Variation ID: 1441061). Algorithms developed to predict the effect of missense changes on protein structure and function (SIFT, PolyPhen-2, Align-GVGD) all suggest that this variant is likely to be disruptive. In summary, the available evidence is currently insufficient to determine the role of this variant in disease. Therefore, it has been classified as a Variant of Uncertain Significance.

Blueprint Genetics
Classification: Uncertain significance. Last evaluated: 2021-08-05. Review status: criteria provided, single submitter. Criteria: ACMG Guidelines, 2015. Collection method: clinical testing. Allele origin: germline.